The following is an entry in ClinVar:

ClinVar aggregate classification (germline): Uncertain significance. Review status: criteria provided, multiple submitters, no conflicts (2 of 4 stars). 2 submissions from 2 submitters: Uncertain significance (2). Last evaluated 2025-05-18.

Conditions:
Long QT syndrome (LQTS). Identifiers: MedGen C0023976, MeSH D008133, MONDO:0002442. Disease mechanism: loss of function. Inheritance: Various modes of inheritance.
Cardiovascular phenotype. Identifiers: MedGen CN230736.

Allele frequency attached by ClinVar (database versions not stated): gnomAD 0.00001; gnomAD exomes 0.00001; TOPMed 0.00001.
gnomAD v4.1: 4 of 1,614,074 alleles (0.00025%); highest among the groups gnomAD compares: African/African-American, 0.0053%; no homozygotes.

Submissions (2):

Ambry Genetics
Classification: Uncertain significance for Cardiovascular phenotype. Last evaluated: 2025-05-18. Review status: criteria provided, single submitter. Criteria: Ambry Variant Classification Scheme 2023. Collection method: clinical testing. Allele origin: germline.
Comment: The p.K429N variant (also known as c.1287G>C), located in coding exon 7 of the SNTA1 gene, results from a G to C substitution at nucleotide position 1287. The lysine at codon 429 is replaced by asparagine, an amino acid with similar properties. This amino acid position is not well conserved in available vertebrate species, and asparagine is the reference amino acid in other vertebrate species. In addition, this alteration is predicted to be tolerated by in silico analysis. Since supporting evidence is limited at this time, the clinical significance of this alteration remains unclear.

Labcorp Genetics (formerly Invitae), Labcorp
Classification: Uncertain significance for Long QT syndrome. Last evaluated: 2025-04-01. Review status: criteria provided, single submitter. Criteria: Invitae Variant Classification Sherloc (09022015). Collection method: clinical testing. Allele origin: germline.
Comment: This sequence change replaces lysine, which is basic and polar, with asparagine, which is neutral and polar, at codon 429 of the SNTA1 protein (p.Lys429Asn). This variant is present in population databases (no rsID available, gnomAD 0.01%). This variant has not been reported in the literature in individuals affected with SNTA1-related conditions. ClinVar contains an entry for this variant (Variation ID: 1768998). Invitae Evidence Modeling of protein sequence and biophysical properties (such as structural, functional, and spatial information, amino acid conservation, physicochemical variation, residue mobility, and thermodynamic stability) indicates that this missense variant is not expected to disrupt SNTA1 protein function with a negative predictive value of 80%. In summary, the available evidence is currently insufficient to determine the role of this variant in disease. Therefore, it has been classified as a Variant of Uncertain Significance.

NM_003098.3(SNTA1):c.1287G>C (p.Lys429Asn)

Gene: SNTA1 (syntrophin alpha 1; minus strand). Cytogenetic location: 20q11.21.
Variant type: single nucleotide variant.
Coding change: c.1287G>C on transcript NM_003098.3 (MANE Select); coding-DNA position 1287, G replaced by C.
Protein change: p.Lys429Asn; replaces lysine 429 with asparagine.
Molecular consequence: missense variant.
Genome position (GRCh38, 1-based): chr20:33,408,839, C>G on the plus strand (G>C on the coding strand, the complement: SNTA1 is on the minus strand). VCF-style: chr20-33408839-C-G. GRCh37 (hg19) VCF-style: chr20-31996645-C-G.
Other names: short protein forms K429N.
Identifiers: ClinVar variation 1768998 (VCV001768998.6), dbSNP rs955414123, ClinGen allele CA313251274.